The following is an entry in ClinVar:

NM_000342.4(SLC4A1):c.391G>A (p.Val131Met)

Gene: SLC4A1 (solute carrier family 4 member 1 (Diego blood group); minus strand). Cytogenetic location: 17q21.31.
Variant type: single nucleotide variant.
Coding change: c.391G>A on transcript NM_000342.4 (MANE Select); coding-DNA position 391, G replaced by A.
Protein change: p.Val131Met; replaces valine 131 with methionine.
Molecular consequence: missense variant.
Genome position (GRCh38, 1-based): chr17:44,260,498, C>T on the plus strand (G>A on the coding strand, the complement: SLC4A1 is on the minus strand). VCF-style: chr17-44260498-C-T. GRCh37 (hg19) VCF-style: chr17-42337866-C-T.
Other names: short protein forms V131M.
Identifiers: ClinVar variation 4741314 (VCV004741314.1).

ClinVar aggregate classification (germline): Uncertain significance (1 of 4 stars; one submission).

Submission:

Labcorp Genetics (formerly Invitae), Labcorp
Classification: Uncertain significance. Last evaluated: 2025-12-19. Review status: criteria provided, single submitter. Criteria: Invitae Variant Classification Sherloc (09022015). Collection method: clinical testing. Allele origin: germline.
Comment: This sequence change replaces valine, which is neutral and non-polar, with methionine, which is neutral and non-polar, at codon 131 of the SLC4A1 protein (p.Val131Met). This variant is not present in population databases (gnomAD no frequency). This variant has not been reported in the literature in individuals affected with SLC4A1-related conditions. Invitae Evidence Modeling of protein sequence and biophysical properties (such as structural, functional, and spatial information, amino acid conservation, physicochemical variation, residue mobility, and thermodynamic stability) indicates that this missense variant is not expected to disrupt SLC4A1 protein function with a negative predictive value of 80%. In summary, the available evidence is currently insufficient to determine the role of this variant in disease. Therefore, it has been classified as a Variant of Uncertain Significance.